The following is an entry in ClinVar:

ClinVar aggregate classification (germline): Uncertain significance (1 of 4 stars; one submission).

Conditions:
Cardiovascular phenotype. Identifiers: MedGen CN230736.

Allele frequency attached by ClinVar (database versions not stated): gnomAD 0.00003; TOPMed 0.00003.
gnomAD v4.1: 6 of 1,614,100 alleles (0.00037%); highest among the groups gnomAD compares: African/African-American, 0.008%; no homozygotes.

Submission:

Ambry Genetics
Classification: Uncertain significance for Cardiovascular phenotype. Last evaluated: 2025-12-10. Review status: criteria provided, single submitter. Criteria: Ambry Variant Classification Scheme 2023. Collection method: clinical testing. Allele origin: germline.
Comment: The p.R96I variant (also known as c.287G>T), located in coding exon 3 of the ABCG8 gene, results from a G to T substitution at nucleotide position 287. The arginine at codon 96 is replaced by isoleucine, an amino acid with similar properties. This amino acid position is conserved. In addition, the in silico prediction for this alteration is inconclusive. Since supporting evidence is limited at this time, the clinical significance of this alteration remains unclear.

NM_022437.3(ABCG8):c.287G>T (p.Arg96Ile)

Gene: ABCG8 (ATP binding cassette subfamily G member 8; plus strand). Cytogenetic location: 2p21.
Variant type: single nucleotide variant.
Coding change: c.287G>T on transcript NM_022437.3 (MANE Select); coding-DNA position 287, G replaced by T.
Protein change: p.Arg96Ile; replaces arginine 96 with isoleucine.
Molecular consequence: missense variant.
Genome position (GRCh38, 1-based): chr2:43,846,276, G>T. VCF-style: chr2-43846276-G-T. GRCh37 (hg19) VCF-style: chr2-44073415-G-T.
Other names: c.287G>T, p.Arg96Ile (NM_001357321.2); short protein forms R96I.
Identifiers: ClinVar variation 1797159 (VCV001797159.3), dbSNP rs1421003606, ClinGen allele CA346663638.